The following is an entry in ClinVar:

NM_025099.6(CTC1):c.774C>T (p.His258=)

Gene: CTC1 (CST telomere replication complex component 1; minus strand). Cytogenetic location: 17p13.1.
Variant type: single nucleotide variant.
Coding change: c.774C>T on transcript NM_025099.6 (MANE Select); coding-DNA position 774, C replaced by T.
Protein change: p.His258=; no amino-acid change (histidine 258 retained).
Molecular consequence: synonymous variant. On other transcripts: non-coding transcript variant (1).
Genome position (GRCh38, 1-based): chr17:8,237,393, G>A on the plus strand (C>T on the coding strand, the complement: CTC1 is on the minus strand). VCF-style: chr17-8237393-G-A. GRCh37 (hg19) VCF-style: chr17-8140711-G-A.
Other names: c.774C>T, p.His258= (NM_001411067.1); c.774C>T (NM_025099.5).
Identifiers: ClinVar variation 2082149 (VCV002082149.6), dbSNP rs1309024092, ClinGen allele CA497782005.
Genomic context (GRCh38, chr17:8,237,393, plus strand): 5'-ACCCTCCCCCACTTCCATGGCTGAAATGACCCCAGTCCTCACCTGCACGATGATGGACAC[G>A]TGGGTGACAGCTGGGTGTGATCTACCAAGAGACAGGATGAAGTAAGCTTTCTGTTTACTT-3'
Protein context (NP_079375.3, residues 248-268): SLGRSHPAVT[His258=]VSIIVQVPAQ

ClinVar aggregate classification (germline): Likely benign. Review status: criteria provided, multiple submitters, no conflicts (2 of 4 stars). 3 submissions from 3 submitters: Likely benign (2). 1 of the submissions does not count toward it. Last evaluated 2026-01-24.

Conditions:
Dyskeratosis congenita. Identifiers: Orphanet 1775, MedGen C0265965, MONDO:0015780.
CTC1-related disorder. Also called: CTC1-related condition.

Allele frequency attached by ClinVar (database versions not stated): gnomAD 0.00001; gnomAD exomes 0.00001; TOPMed 0.00001.
gnomAD v4.1: 13 of 1,613,914 alleles (0.00081%); highest among the groups gnomAD compares: South Asian, 0.0055%; no homozygotes.

Submissions (3):

Labcorp Genetics (formerly Invitae), Labcorp
Classification: Likely benign for Dyskeratosis congenita. Last evaluated: 2026-01-24. Review status: criteria provided, single submitter. Criteria: Invitae Variant Classification Sherloc (09022015). Collection method: clinical testing. Allele origin: germline.

Blueprint Genetics
Classification: Likely benign. Last evaluated: 2022-03-14. Review status: criteria provided, single submitter. Criteria: ACMG Guidelines, 2015. Collection method: clinical testing. Allele origin: germline.

PreventionGenetics, part of Exact Sciences
Classification: Likely benign for CTC1-related condition. Last evaluated: 2019-10-28. Review status: no assertion criteria provided. Collection method: clinical testing. Allele origin: germline. Not counted in ClinVar's aggregate classification.
Comment: This variant is classified as likely benign based on ACMG/AMP sequence variant interpretation guidelines (Richards et al. 2015 PMID: 25741868, with internal and published modifications).